The following is an entry in ClinVar:

NM_000222.3(KIT):c.1618G>A (p.Val540Met)

Gene: KIT (KIT proto-oncogene, receptor tyrosine kinase; plus strand). Cytogenetic location: 4q12.
Variant type: single nucleotide variant.
Coding change: c.1618G>A on transcript NM_000222.3 (MANE Select); coding-DNA position 1618, G replaced by A.
Protein change: p.Val540Met; replaces valine 540 with methionine.
Molecular consequence: missense variant.
Genome position (GRCh38, 1-based): chr4:54,727,295, G>A. VCF-style: chr4-54727295-G-A. GRCh37 (hg19) VCF-style: chr4-55593461-G-A.
Other names: c.1606G>A, p.Val536Met (NM_001093772.2, NM_001385286.1); c.1621G>A, p.Val541Met (NM_001385284.1, NM_001385290.1); c.1618G>A, p.Val540Met (NM_001385285.1); c.1609G>A, p.Val537Met (NM_001385288.1, NM_001385292.1); short protein forms V536M, V540M, V537M, V541M.
Identifiers: ClinVar variation 658694 (VCV000658694.11), dbSNP rs756179543, ClinGen allele CA16602219.
Genomic context (GRCh38, chr4:54,727,295, plus strand): 5'-ACCCTGTTCACTCCTTTGCTGATTGGTTTCGTAATCGTAGCTGGCATGATGTGCATTATT[G>A]TGATGATTCTGACCTACAAATATTTACAGGTAACCATTTATTTGTTCTCTCTCCAGAGTG-3'
Protein context (NP_000213.1, residues 530-550): VIVAGMMCII[Val540Met]MILTYKYLQK

ClinVar aggregate classification (germline): Uncertain significance (1 of 4 stars; one submission).

Conditions:
Gastrointestinal stromal tumor. Also called: Gastrointestinal stromal tumor, somatic; Gastrointestinal stroma tumor. Identifiers: Orphanet 44890, MedGen C0238198, MeSH D046152, MONDO:0011719, OMIM 606764, HP:0100723.

Submission:

Labcorp Genetics (formerly Invitae), Labcorp
Classification: Uncertain significance for Gastrointestinal stromal tumor. Last evaluated: 2024-05-09. Review status: criteria provided, single submitter. Criteria: Invitae Variant Classification Sherloc (09022015). Collection method: clinical testing. Allele origin: germline.
Comment: This sequence change replaces valine, which is neutral and non-polar, with methionine, which is neutral and non-polar, at codon 540 of the KIT protein (p.Val540Met). This variant is not present in population databases (gnomAD no frequency). This variant has not been reported in the literature in individuals affected with KIT-related conditions. ClinVar contains an entry for this variant (Variation ID: 658694). An algorithm developed to predict the effect of missense changes on protein structure and function (PolyPhen-2) suggests that this variant is likely to be disruptive. In summary, the available evidence is currently insufficient to determine the role of this variant in disease. Therefore, it has been classified as a Variant of Uncertain Significance.